The following is an entry in ClinVar:

NM_004304.5(ALK):c.2989A>G (p.Met997Val)

Gene: ALK (ALK receptor tyrosine kinase; minus strand). Cytogenetic location: 2p23.2.
Variant type: single nucleotide variant.
Coding change: c.2989A>G on transcript NM_004304.5 (MANE Select); coding-DNA position 2989, A replaced by G.
Protein change: p.Met997Val; replaces methionine 997 with valine.
Molecular consequence: missense variant.
Genome position (GRCh38, 1-based): chr2:29,227,000, T>C on the plus strand (A>G on the coding strand, the complement: ALK is on the minus strand). VCF-style: chr2-29227000-T-C. GRCh37 (hg19) VCF-style: chr2-29449866-T-C.
Other names: short protein forms M997V.
Identifiers: ClinVar variation 1978533 (VCV001978533.4), dbSNP rs2465971171, ClinGen allele CA346467710.

ClinVar aggregate classification (germline): Uncertain significance (1 of 4 stars; one submission).

Conditions:
Neuroblastoma, susceptibility to, 3. Also called: ALK-Related Neuroblastic Tumor Susceptibility. Identifiers: Orphanet 635, MedGen C2751681, MONDO:0013083, OMIM 613014.

Submission:

Labcorp Genetics (formerly Invitae), Labcorp
Classification: Uncertain significance for Neuroblastoma, susceptibility to, 3. Last evaluated: 2022-07-11. Review status: criteria provided, single submitter. Criteria: Invitae Variant Classification Sherloc (09022015). Collection method: clinical testing. Allele origin: germline.
Comment: This sequence change replaces methionine, which is neutral and non-polar, with valine, which is neutral and non-polar, at codon 997 of the ALK protein (p.Met997Val). This variant is not present in population databases (gnomAD no frequency). This variant has not been reported in the literature in individuals affected with ALK-related conditions. Algorithms developed to predict the effect of missense changes on protein structure and function (SIFT, PolyPhen-2, Align-GVGD) all suggest that this variant is likely to be tolerated. In summary, the available evidence is currently insufficient to determine the role of this variant in disease. Therefore, it has been classified as a Variant of Uncertain Significance.